The following is an entry in ClinVar:

NM_001348946.2(ABCB1):c.2397+8T>A

Gene: ABCB1 (ATP binding cassette subfamily B member 1; minus strand). Cytogenetic location: 7q21.12.
Variant type: single nucleotide variant.
Coding change: c.2397+8T>A on transcript NM_001348946.2 (MANE Select); 8 bases into the intron after coding-DNA position 2397, T replaced by A.
Molecular consequence: intron variant.
Genome position (GRCh38, 1-based): chr7:87,539,260, A>T on the plus strand (T>A on the coding strand, the complement: ABCB1 is on the minus strand). VCF-style: chr7-87539260-A-T. GRCh37 (hg19) VCF-style: chr7-87168576-A-T.
Other names: c.2397+8T>A (NM_001348944.2, NM_000927.5); c.2607+8T>A (NM_001348945.2).
Identifiers: ClinVar variation 3045734 (VCV003045734.2), dbSNP rs187910292, ClinGen allele CA4328054.

ClinVar aggregate classification (germline): Likely benign (0 of 4 stars; one submission).

Conditions:
ABCB1-related disorder. Also called: ABCB1-related condition.

Allele frequency attached by ClinVar (database versions not stated): gnomAD 0.00001; TOPMed 0.00001; ExAC 0.00002; 1000 Genomes Project 30x 0.00016; 1000 Genomes Project 0.00020.
gnomAD v4.1: 6 of 1,613,756 alleles (0.00037%); highest among the groups gnomAD compares: Admixed American, 0.01%; no homozygotes.

Submission:

PreventionGenetics, part of Exact Sciences
Classification: Likely benign for ABCB1-related condition. Last evaluated: 2019-10-29. Review status: no assertion criteria provided. Collection method: clinical testing. Allele origin: germline.
Comment: This variant is classified as likely benign based on ACMG/AMP sequence variant interpretation guidelines (Richards et al. 2015 PMID: 25741868, with internal and published modifications).